The following is an entry in ClinVar:

NM_020911.2(PLXNA4):c.4501G>A (p.Val1501Ile)

Gene: PLXNA4 (plexin A4; minus strand). Cytogenetic location: 7q32.3.
Variant type: single nucleotide variant.
Coding change: c.4501G>A on transcript NM_020911.2 (MANE Select); coding-DNA position 4501, G replaced by A.
Protein change: p.Val1501Ile; replaces valine 1501 with isoleucine.
Molecular consequence: missense variant.
Genome position (GRCh38, 1-based): chr7:132,159,632, C>T on the plus strand (G>A on the coding strand, the complement: PLXNA4 is on the minus strand). VCF-style: chr7-132159632-C-T. GRCh37 (hg19) VCF-style: chr7-131844391-C-T.
Other names: c.4501G>A, p.Val1501Ile (NM_001393897.1); short protein forms V1501I.
Identifiers: ClinVar variation 3350918 (VCV003350918.1).
Genomic context (GRCh38, chr7:132,159,632, plus strand): 5'-TGAGGATCTTTACTGGGACCTCGGGGCTGTTGGCATTGTCTGGGCTGACACAGCTCAGGA[C>T]CTGAAGGAAAGGTGGGGAGAGGAAGCATATGAAATGGGGTAGCAGGAAAAGCTCCTAGAT-3'
Protein context (NP_065962.1, residues 1491-1511): IRQQIDYKTL[Val1501Ile]LSCVSPDNAN

ClinVar aggregate classification (germline): Uncertain significance (0 of 4 stars; one submission).

Conditions:
PLXNA4-related disorder. Also called: PLXNA4-related condition.

gnomAD v4.1: 4 of 1,613,676 alleles (0.00025%); highest among the groups gnomAD compares: Admixed American, 0.0017%; no homozygotes.

Submission:

PreventionGenetics, part of Exact Sciences
Classification: Uncertain significance for PLXNA4-related condition. Last evaluated: 2024-09-04. Review status: no assertion criteria provided. Collection method: clinical testing. Allele origin: germline.
Comment: The PLXNA4 c.4501G>A variant is predicted to result in the amino acid substitution p.Val1501Ile. To our knowledge, this variant has not been reported in the literature. This variant is reported in 0.0029% of alleles in individuals of Latino descent in gnomAD. At this time, the clinical significance of this variant is uncertain due to the absence of conclusive functional and genetic evidence.